The following is an entry in ClinVar:

NM_001875.5(CPS1):c.2895+2T>C

Gene: CPS1 (carbamoyl-phosphate synthase 1; plus strand). Cytogenetic location: 2q34.
Variant type: single nucleotide variant.
Coding change: c.2895+2T>C on transcript NM_001875.5 (MANE Select); the canonical splice donor site of the intron after coding-DNA position 2895, T replaced by C.
Molecular consequence: splice donor variant.
Genome position (GRCh38, 1-based): chr2:210,639,217, T>C. VCF-style: chr2-210639217-T-C. GRCh37 (hg19) VCF-style: chr2-211503941-T-C.
Other names: c.2895+2T>C (NM_001369257.1, NM_001122633.3); c.2928+2T>C (NM_001369256.1).
Identifiers: ClinVar variation 2413201 (VCV002413201.5), dbSNP rs2469263961, ClinGen allele CA350432074.

ClinVar aggregate classification (germline): Conflicting classifications of pathogenicity. Review status: criteria provided, conflicting classifications (1 of 4 stars). 2 submissions from 2 submitters: Likely pathogenic (1); Uncertain significance (1). Last evaluated 2025-08-12.

Conditions:
Congenital hyperammonemia, type I. Also called: Carbamoyl phosphate synthetase 1 deficiency; Hyperammonemia due to carbamoyl phosphate synthetase 1 deficiency; CPS 1 deficiency; Carbamyl phosphate synthetase (CPS) deficiency; CPS I DEFICIENCY; Carbamoyl-phosphate synthase I deficiency. Identifiers: Orphanet 147, MedGen C4082171, MONDO:0009376, OMIM 237300.

Submissions (2):

Myriad Genetics, Inc.
Classification: Uncertain significance for Congenital hyperammonemia, type I. Last evaluated: 2025-08-12. Review status: criteria provided, single submitter. Criteria: Myriad Autosomal Dominant, Autosomal Recessive and X-Linked Classification Criteria (2023). Collection method: clinical testing. Allele origin: unknown.
Comment: NM_001875.4(CPS1):c.2895+2T>C is a missense variant classified as a variant of uncertain significance in the context of carbamoylphosphate synthetase I deficiency. c.2895+2T>C has been observed in a case with relevant disease (PMID: 39174957). Relevant functional assessments of this variant are not available in the literature. c.2895+2T>C has not been observed in referenced population frequency databases. In summary, there is insufficient evidence to classify NM_001875.4(CPS1):c.2895+2T>C as pathogenic or benign. Please note: this variant was assessed in the context of healthy population screening.

Laboratory of Metabolic Disorders, Peking University First Hospital
Classification: Likely pathogenic for Congenital hyperammonemia, type I. Last evaluated: 2023-01-09. Review status: criteria provided, single submitter. Criteria: ACMG Guidelines, 2015. Collection method: clinical testing. Allele origin: inherited. Affected: yes.

Literature cited by the submitters: PubMed 39174957 (cited by Myriad Genetics, Inc.).